The following is an entry in ClinVar:

NM_001165963.4(SCN1A):c.5145C>G (p.Ile1715Met)

Genes: SCN1A (sodium voltage-gated channel alpha subunit 1; minus strand), LOC102724058 (uncharacterized LOC102724058; plus strand). Cytogenetic location: 2q24.3.
Variant type: single nucleotide variant.
Coding change: c.5145C>G on transcript NM_001165963.4 (MANE Select); coding-DNA position 5145, C replaced by G.
Protein change: p.Ile1715Met; replaces isoleucine 1715 with methionine.
Molecular consequence: missense variant. On other transcripts: non-coding transcript variant (1).
Genome position (GRCh38, 1-based): chr2:165,992,130, G>C on the plus strand (C>G on the coding strand, the complement: SCN1A is on the minus strand). VCF-style: chr2-165992130-G-C. GRCh37 (hg19) VCF-style: chr2-166848640-G-C.
Other names: c.5061C>G, p.Ile1687Met (NM_001165964.3, NM_001353957.2, NM_001353958.2); c.5145C>G, p.Ile1715Met (NM_001202435.3, NM_001353948.2); c.5112C>G, p.Ile1704Met (NM_001353949.2, NM_001353950.2, NM_001353951.2 and 2 more transcripts); c.5109C>G, p.Ile1703Met (NM_001353954.2, NM_001353955.2); c.5058C>G, p.Ile1686Met (NM_001353960.2); c.2703C>G, p.Ile901Met (NM_001353961.2); short protein forms I1704M, I1715M, I1687M, I1703M, I901M, I1686M.
Identifiers: ClinVar variation 582837 (VCV000582837.11), dbSNP rs1559104174, ClinGen allele CA349068938.

ClinVar aggregate classification (germline): Uncertain significance. Review status: criteria provided, multiple submitters, no conflicts (2 of 4 stars). 2 submissions from 2 submitters: Uncertain significance (2). Last evaluated 2024-11-10.

Conditions:
Early-infantile DEE. Also called: Early infantile epileptic encephalopathy with suppression bursts; Early infantile epileptic encephalopathy; Ohtahara syndrome. Identifiers: Orphanet 1934, MedGen C0393706, MONDO:0800491.
Inborn genetic diseases. Identifiers: MedGen C0950123, MeSH D030342.

Submissions (2):

Ambry Genetics
Classification: Uncertain significance for Inborn genetic diseases. Last evaluated: 2024-11-10. Review status: criteria provided, single submitter. Criteria: Ambry Variant Classification Scheme 2023. Collection method: clinical testing. Allele origin: germline.

Labcorp Genetics (formerly Invitae), Labcorp
Classification: Uncertain significance for Early-infantile DEE. Last evaluated: 2018-08-27. Review status: criteria provided, single submitter. Criteria: Invitae Variant Classification Sherloc (09022015). Collection method: clinical testing. Allele origin: germline.
Comment: This sequence change replaces isoleucine with methionine at codon 1715 of the SCN1A protein (p.Ile1715Met). The isoleucine residue is highly conserved and there is a small physicochemical difference between isoleucine and methionine. This variant is not present in population databases (ExAC no frequency). This variant has not been reported in the literature in individuals with SCN1A-related disease. Algorithms developed to predict the effect of missense changes on protein structure and function are either unavailable or do not agree on the potential impact of this missense change (SIFT: "Deleterious"; PolyPhen-2: "Probably Damaging"; Align-GVGD: "Class C0"). This variant identified in the SCN1A gene is located in the extracellular D4-S5/S6 region of the resulting protein (PMID: 25348405, 18804930), but it is unclear how this variant impacts the function of this protein. In summary, the available evidence is currently insufficient to determine the role of this variant in disease. Therefore, it has been classified as a Variant of Uncertain Significance.

Literature cited by the submitters: PubMed 25348405 (cited by Labcorp Genetics (formerly Invitae), Labcorp); PubMed 18804930 (cited by Labcorp Genetics (formerly Invitae), Labcorp).